The following is an entry in ClinVar:

NM_000632.4(ITGAM):c.2434G>A (p.Asp812Asn)

Gene: ITGAM (integrin subunit alpha M; plus strand). Cytogenetic location: 16p11.2.
Variant type: single nucleotide variant.
Coding change: c.2434G>A on transcript NM_000632.4 (MANE Select); coding-DNA position 2434, G replaced by A.
Protein change: p.Asp812Asn; replaces aspartic acid 812 with asparagine.
Molecular consequence: missense variant.
Genome position (GRCh38, 1-based): chr16:31,325,333, G>A. VCF-style: chr16-31325333-G-A. GRCh37 (hg19) VCF-style: chr16-31336654-G-A.
Other names: c.2437G>A, p.Asp813Asn (NM_001145808.2); short protein forms D813N, D812N.
Identifiers: ClinVar variation 2975071 (VCV002975071.3), dbSNP rs2080496791, ClinGen allele CA395691008.

ClinVar aggregate classification (germline): Uncertain significance (1 of 4 stars; one submission).

Allele frequency attached by ClinVar (database versions not stated): TOPMed below 0.00001; gnomAD 0.00001; gnomAD exomes 0.00001.
gnomAD v4.1: 8 of 1,613,824 alleles (0.0005%); highest among the groups gnomAD compares: East Asian, 0.018%; no homozygotes.

Submission:

Labcorp Genetics (formerly Invitae), Labcorp
Classification: Uncertain significance. Last evaluated: 2023-06-10. Review status: criteria provided, single submitter. Criteria: Invitae Variant Classification Sherloc (09022015). Collection method: clinical testing. Allele origin: germline.
Comment: This sequence change replaces aspartic acid, which is acidic and polar, with asparagine, which is neutral and polar, at codon 812 of the ITGAM protein (p.Asp812Asn). This variant is not present in population databases (gnomAD no frequency). This variant has not been reported in the literature in individuals affected with ITGAM-related conditions. An algorithm developed to predict the effect of missense changes on protein structure and function (PolyPhen-2) suggests that this variant is likely to be disruptive. In summary, the available evidence is currently insufficient to determine the role of this variant in disease. Therefore, it has been classified as a Variant of Uncertain Significance.